The following is an entry in ClinVar:

ClinVar aggregate classification (germline): Pathogenic. Review status: reviewed by expert panel (3 of 4 stars). 2 submissions from 2 submitters: Pathogenic (1). 1 of the submissions does not count toward it. Last evaluated 2016-10-18.

Conditions:
Breast-ovarian cancer, familial, susceptibility to, 1 (BROVCA1). Also called: BRCA1 Hereditary Breast and Ovarian Cancer; OVARIAN CANCER, SUSCEPTIBILITY TO. Identifiers: Orphanet 145, MedGen C2676676, MONDO:0011450, OMIM 604370. Disease mechanism: loss of function.

Submissions (2):

Evidence-based Network for the Interpretation of Germline Mutant Alleles (ENIGMA)
Classification: Pathogenic for Breast-ovarian cancer, familial, susceptibility to, 1. Last evaluated: 2016-10-18. Review status: reviewed by expert panel. Criteria: ENIGMA BRCA1/2 Classification Criteria (2015). Collection method: curation. Allele origin: germline.
Comment: Variant allele predicted to encode a truncated non-functional protein.

Consortium of Investigators of Modifiers of BRCA1/2 (CIMBA), c/o University of Cambridge
Classification: Pathogenic for Breast-ovarian cancer, familial, susceptibility to, 1. Last evaluated: 2015-10-02. Review status: criteria provided, single submitter. Criteria: CIMBA Mutation Classification guidelines May 2016. Collection method: clinical testing. Allele origin: germline. Not counted in ClinVar's aggregate classification.

NM_007294.4(BRCA1):c.3981del (p.Gln1327fs)

Genes: BRCA1 (BRCA1 DNA repair associated; minus strand), LOC126862571 (BRD4-independent group 4 enhancer GRCh37_chr17:41243136-41244335; plus strand). Cytogenetic location: 17q21.31.
Variant type: Deletion.
Coding change: c.3981del on transcript NM_007294.4 (MANE Select); coding-DNA position 3981, one base deleted (G; older notation c.3981delG).
Protein change: p.Gln1327fs; shifts the reading frame from glutamine 1327.
Molecular consequence: frameshift variant. On other transcripts: intron variant (135).
Genome position (GRCh38, 1-based): chr17:43,091,550, C deleted on the plus strand (G on the coding strand, the reverse complement: BRCA1 is on the minus strand). VCF-style (leftmost placement, unchanged base first): chr17-43091549-AC-A. GRCh37 (hg19) VCF-style: chr17-41243566-AC-A.
Other names: 4100delG; c.3771del, p.Gln1257fs (NM_001407886.1, NM_001407887.1, NM_001407889.1 and 13 more transcripts); c.3768del, p.Gln1256fs (NM_001407894.1, NM_001407895.1, NM_001407896.1 and 9 more transcripts); c.3858del, p.Gln1286fs (NM_001407919.1, NM_001407937.1, NM_001407938.1 and 19 more transcripts); c.3717del, p.Gln1239fs (NM_001407920.1, NM_001407921.1, NM_001407922.1 and 9 more transcripts); c.3714del, p.Gln1238fs (NM_001407930.1, NM_001407931.1, NM_001407932.1 and 2 more transcripts); c.3855del, p.Gln1285fs (NM_001407940.1, NM_001407941.1, NM_001407649.1 and 11 more transcripts); c.3840del, p.Gln1280fs (NM_001407942.1, NM_001407944.1, NM_001407945.1 and 29 more transcripts); and 42 more; short protein forms Q1280fs, Q1327fs, Q1239fs, Q1285fs, Q1301fs, Q1200fs, Q1216fs, Q1238fs.
Identifiers: ClinVar variation 55068 (VCV000055068.7), dbSNP rs397509123, ClinGen allele CA002553.
Genomic context (GRCh38, chr17:43,091,549, plus strand): 5'-CTCTTTCTTCATCATCTGAAACCAATTCCTTGTCACTCAGACCAACTCCCTGGCTTTCAG[AC>A]TGATGCCTCATTTGTTTGGAAGAACCAATCAAGAAAGGATCCTGGGTGTTTGTATTTGCA-3'